The following is an entry in ClinVar:

NM_032119.4(ADGRV1):c.9261A>T (p.Arg3087Ser)

Gene: ADGRV1 (adhesion G protein-coupled receptor V1; plus strand). Cytogenetic location: 5q14.3.
Variant type: single nucleotide variant.
Coding change: c.9261A>T on transcript NM_032119.4 (MANE Select); coding-DNA position 9261, A replaced by T.
Protein change: p.Arg3087Ser; replaces arginine 3087 with serine.
Molecular consequence: missense variant. On other transcripts: non-coding transcript variant (1).
Genome position (GRCh38, 1-based): chr5:90,716,543, A>T. VCF-style: chr5-90716543-A-T. GRCh37 (hg19) VCF-style: chr5-90012360-A-T.
Other names: short protein forms R3087S.
Identifiers: ClinVar variation 2579491 (VCV002579491.6), dbSNP rs544867477, ClinGen allele CA3340473.

ClinVar aggregate classification (germline): Conflicting classifications of pathogenicity. Review status: criteria provided, conflicting classifications (1 of 4 stars). 4 submissions from 4 submitters: Uncertain significance (3); Likely benign (1). Last evaluated 2025-03-31.

Conditions:
ADGRV1-related disorder. Also called: ADGRV1-related condition; ADGRV1-related disorders.

Allele frequency attached by ClinVar (database versions not stated): 1000 Genomes Project 0.00020; TOPMed below 0.00001; ExAC 0.00002; gnomAD 0.00002; 1000 Genomes Project 30x 0.00016.
gnomAD v4.1: 10 of 1,612,930 alleles (0.00062%); highest among the groups gnomAD compares: East Asian, 0.022%; no homozygotes.

Submissions (4):

PreventionGenetics, part of Exact Sciences
Classification: Uncertain significance for ADGRV1-related condition. Last evaluated: 2025-03-31. Review status: criteria provided, single submitter. Criteria: ACMG Guidelines, 2015. Collection method: clinical testing. Allele origin: germline.
Comment: The ADGRV1 c.9261A>T variant is predicted to result in the amino acid substitution p.Arg3087Ser. To our knowledge, this variant has not been reported in the literature. This variant is reported in 0.028% of alleles in individuals of East Asian descent in gnomAD. At this time, the clinical significance of this variant is uncertain due to the absence of conclusive functional and genetic evidence.

Labcorp Genetics (formerly Invitae), Labcorp
Classification: Likely benign. Last evaluated: 2024-03-05. Review status: criteria provided, single submitter. Criteria: Invitae Variant Classification Sherloc (09022015). Collection method: clinical testing. Allele origin: germline.

GeneDx
Classification: Uncertain significance. Last evaluated: 2023-03-07. Review status: criteria provided, single submitter. Criteria: GeneDx Variant Classification Process June 2021. Collection method: clinical testing. Allele origin: germline. Affected: yes.
Comment: In silico analysis supports that this missense variant does not alter protein structure/function; Has not been previously published as pathogenic or benign to our knowledge

Blueprint Genetics
Classification: Uncertain significance. Last evaluated: 2022-09-07. Review status: criteria provided, single submitter. Criteria: ACMG Guidelines, 2015. Collection method: clinical testing. Allele origin: germline.